The following is an entry in ClinVar:

NM_001379200.1(TBX1):c.902C>G (p.Ala301Gly)

Gene: TBX1 (T-box transcription factor 1; plus strand). Cytogenetic location: 22q11.21.
Variant type: single nucleotide variant.
Coding change: c.902C>G on transcript NM_001379200.1 (MANE Select); coding-DNA position 902, C replaced by G.
Protein change: p.Ala301Gly; replaces alanine 301 with glycine.
Molecular consequence: missense variant.
Genome position (GRCh38, 1-based): chr22:19,765,792, C>G. VCF-style: chr22-19765792-C-G. GRCh37 (hg19) VCF-style: chr22-19753315-C-G.
Other names: c.875C>G, p.Ala292Gly (NM_005992.1, NM_080646.2, NM_080647.1); short protein forms A292G, A301G.
Identifiers: ClinVar variation 1034215 (VCV001034215.1), dbSNP rs1936812731, ClinGen allele CA410683654.

ClinVar aggregate classification (germline): Uncertain significance (1 of 4 stars; one submission).

Conditions:
Conotruncal heart malformations (CTHM). Also called: Conotruncal heart malformations, variable. Identifiers: Orphanet 2445, Orphanet 3384, Orphanet 3426, MedGen C1857586, MONDO:0016581, OMIM 217095.

Submission:

Baylor Genetics
Classification: Uncertain significance for Conotruncal heart malformations. Last evaluated: 2018-04-02. Review status: criteria provided, single submitter. Criteria: ACMG Guidelines, 2015. Collection method: clinical testing. Allele origin: paternal. Affected: yes.
Comment: This variant was determined to be of uncertain significance according to ACMG Guidelines, 2015 [PMID:25741868].